The following is an entry in ClinVar:

NM_002230.4(JUP):c.2115C>T (p.Tyr705=)

Gene: JUP (junction plakoglobin; minus strand). Cytogenetic location: 17q21.2.
Variant type: single nucleotide variant.
Coding change: c.2115C>T on transcript NM_002230.4 (MANE Select); coding-DNA position 2115, C replaced by T.
Protein change: p.Tyr705=; no amino-acid change (tyrosine 705 retained).
Molecular consequence: synonymous variant.
Genome position (GRCh38, 1-based): chr17:41,755,867, G>A on the plus strand (C>T on the coding strand, the complement: JUP is on the minus strand). VCF-style: chr17-41755867-G-A. GRCh37 (hg19) VCF-style: chr17-39912119-G-A.
Other names: c.2115C>T, p.Tyr705= (NM_001352773.2, NM_001352774.2, NM_001352775.2 and 3 more transcripts).
Identifiers: ClinVar variation 3750833 (VCV003750833.2).

ClinVar aggregate classification (germline): Uncertain significance (1 of 4 stars; one submission).

Conditions:
Naxos disease (NXD). Also called: KERATOSIS PALMOPLANTARIS WITH ARRHYTHMOGENIC CARDIOMYOPATHY; MAL DE NAXOS; PALMOPLANTAR KERATODERMA WITH ARRHYTHMOGENIC RIGHT VENTRICULAR CARDIOMYOPATHY AND WOOLLY HAIR; WOOLLY HAIR, PALMOPLANTAR KERATODERMA, AND CARDIAC ABNORMALITIES; CARDIOMYOPATHY, ARRHYTHMOGENIC RIGHT VENTRICULAR, WITH SKIN, HAIR, AND NAIL ABNORMALITIES. Identifiers: Orphanet 34217, MedGen C1832600, MONDO:0011017, OMIM 601214.
Arrhythmogenic right ventricular dysplasia 12. Also called: ARRHYTHMOGENIC RIGHT VENTRICULAR DYSPLASIA, FAMILIAL, 12. Identifiers: MedGen C1969081, MONDO:0012684, OMIM 611528.

Submission:

Labcorp Genetics (formerly Invitae), Labcorp
Classification: Uncertain significance for Arrhythmogenic right ventricular dysplasia 12; Naxos disease. Last evaluated: 2024-08-21. Review status: criteria provided, single submitter. Criteria: Invitae Variant Classification Sherloc (09022015). Collection method: clinical testing. Allele origin: germline.
Comment: This sequence change affects codon 705 of the JUP mRNA. It is a 'silent' change, meaning that it does not change the encoded amino acid sequence of the JUP protein. This variant is not present in population databases (gnomAD no frequency). This variant has not been reported in the literature in individuals affected with JUP-related conditions. Algorithms developed to predict the effect of sequence changes on RNA splicing suggest that this variant may create or strengthen a splice site. In summary, the available evidence is currently insufficient to determine the role of this variant in disease. Therefore, it has been classified as a Variant of Uncertain Significance.